The following is an entry in ClinVar:

NM_000520.6(HEXA):c.530C>G (p.Ser177Cys)

Gene: HEXA (hexosaminidase subunit alpha; minus strand). Cytogenetic location: 15q23.
Variant type: single nucleotide variant.
Coding change: c.530C>G on transcript NM_000520.6 (MANE Select); coding-DNA position 530, C replaced by G.
Protein change: p.Ser177Cys; replaces serine 177 with cysteine.
Molecular consequence: missense variant. On other transcripts: non-coding transcript variant (1).
Genome position (GRCh38, 1-based): chr15:72,353,108, G>C on the plus strand (C>G on the coding strand, the complement: HEXA is on the minus strand). VCF-style: chr15-72353108-G-C. GRCh37 (hg19) VCF-style: chr15-72645449-G-C.
Other names: c.563C>G, p.Ser188Cys (NM_001318825.2); short protein forms S177C, S188C.
Identifiers: ClinVar variation 421021 (VCV000421021.3), dbSNP rs1064794856, ClinGen allele CA16620003.

ClinVar aggregate classification (germline): Likely pathogenic. Review status: criteria provided, single submitter (1 of 4 stars). 2 submissions from 2 submitters: Likely pathogenic (1). 1 of the submissions does not count toward it. Last evaluated 2016-04-27.

Conditions:
Tay-Sachs disease (TSD). Also called: GM2 gangliosidosis, type 1; Hexosaminidase alpha-subunit deficiency (variant B); Sphingolipidosis, Tay-Sachs; Hexosaminidase A Deficiency; HEXA DEFICIENCY; HEXA Disorders. Identifiers: Orphanet 845, MedGen C0039373, MONDO:0010100, OMIM 272800.

Allele frequency attached by ClinVar (database versions not stated): gnomAD exomes below 0.00001.

Submissions (2):

GeneDx
Classification: Likely pathogenic. Last evaluated: 2016-04-27. Review status: criteria provided, single submitter. Criteria: GeneDx Variant Classification (06012015). Collection method: clinical testing. Allele origin: germline. Affected: yes.
Comment: The S177C variant in the HEXA gene has not been reported previously as a pathogenic variant, nor as a benign variant, to our knowledge. This variant was not observed in approximately 6500 individuals of European and African American ancestry in the NHLBI Exome Sequencing Project, indicating it is not a common benign variant in these populations. The S177C variant is a non-conservative amino acid substitution, which is likely to impact secondary protein structure as these residues differ in polarity, charge, size and/or other properties. This substitution occurs at a position that is conserved across species. In silico analysis is inconsistent in its predictions as to whether or not the variant is damaging to the protein structure/function. Missense variants in nearby residues (D175A, R178C, R178L, H179Y, H179R) have been reported in the Human Gene Mutation Database in association with Tay-Sachs disease (Stenson et al., 2014), supporting the functional importance of this region of the protein. The S177C variant is a strong candidate for a pathogenic variant, however the possibility it may be a rare benign variant cannot be excluded.

Counsyl
Classification: Uncertain significance for Tay-Sachs disease. Last evaluated: 2017-11-08. Review status: no assertion criteria provided. Collection method: clinical testing. Allele origin: unknown. Not counted in ClinVar's aggregate classification.